The following is an entry in ClinVar:

NM_000540.3(RYR1):c.4094del (p.Gly1365fs)

Gene: RYR1 (ryanodine receptor 1; plus strand). Cytogenetic location: 19q13.2.
Variant type: Deletion.
Coding change: c.4094del on transcript NM_000540.3 (MANE Select); coding-DNA position 4094, one base deleted (G; older notation c.4094delG).
Protein change: p.Gly1365fs; shifts the reading frame from glycine 1365.
Molecular consequence: frameshift variant.
Genome position (GRCh38, 1-based): chr19:38,473,705, G deleted; the last of 6 consecutive G bases (chr19:38,473,700-38,473,705); deleting any one gives the same sequence. VCF-style (leftmost placement, unchanged base first): chr19-38473699-CG-C. GRCh37 (hg19) VCF-style: chr19-38964339-CG-C.
Other names: c.4094del, p.Gly1365fs (NM_001042723.2); c.4094delG (NM_000540.2); short protein forms G1365fs.
Identifiers: ClinVar variation 524049 (VCV000524049.2), dbSNP rs587784375, ClinGen allele CA658799195.
Genomic context (GRCh38, chr19:38,473,699, plus strand): 5'-AGGCAGAGAACGGCAAAGAAGGGACTGCGAAGGAGGGCGCCCCCGGGGGCACCCCGCAGG[CG>C]GGGGGAGAGGCGCAGCCCGCCAGGGCGGAGAATGAGAAGGATGCCACCACCGAGAAGAAC-3'

ClinVar aggregate classification (germline): Likely pathogenic (1 of 4 stars; one submission).

Submission:

GeneDx
Classification: Likely pathogenic. Last evaluated: 2018-04-12. Review status: criteria provided, single submitter. Criteria: GeneDx Variant Classification (06012015). Collection method: clinical testing. Allele origin: germline. Affected: yes.
Comment: The c.4094delG variant in the RYR1 gene has not been reported previously as a pathogenic variant nor as a benign variant, to our knowledge. The c.4094delG variant causes a frameshift starting with codon Glycine 1365, changes this amino acid to a Glutamic Acid residue, and creates a premature Stop codon at position 33 of the new reading frame, denoted p.Gly1365GlufsX33. This variant is predicted to cause loss of normal protein function either through protein truncation or nonsense-mediated mRNA decay. The c.4094delG variant is not observed in large population cohorts (Lek et al., 2016). We interpret c.4094delG as a likely pathogenic variant.